The following is an entry in ClinVar:

NM_002609.4(PDGFRB):c.2844G>A (p.Arg948=)

Gene: PDGFRB (platelet derived growth factor receptor beta; minus strand). Cytogenetic location: 5q32.
Variant type: single nucleotide variant.
Coding change: c.2844G>A on transcript NM_002609.4 (MANE Select); coding-DNA position 2844, G replaced by A.
Protein change: p.Arg948=; no amino-acid change (arginine 948 retained).
Molecular consequence: synonymous variant.
Genome position (GRCh38, 1-based): chr5:150,118,807, C>T on the plus strand (G>A on the coding strand, the complement: PDGFRB is on the minus strand). VCF-style: chr5-150118807-C-T. GRCh37 (hg19) VCF-style: chr5-149498370-C-T.
Other names: p.Arg948=; c.2652G>A, p.Arg884= (NM_001355016.2); c.2361G>A, p.Arg787= (NM_001355017.2).
Identifiers: ClinVar variation 540601 (VCV000540601.41), dbSNP rs55647240, ClinGen allele CA3507501.

ClinVar aggregate classification (germline): Benign/Likely benign. Review status: criteria provided, multiple submitters, no conflicts (2 of 4 stars). 8 submissions from 8 submitters: Benign (2); Likely benign (2). 4 of the submissions do not count toward it. Last evaluated 2026-01-05.

Conditions:
PDGFRB-related disorder. Also called: PDGFRB-related condition.
Basal ganglia calcification, idiopathic, 4 (PFBC4). Also called: PRIMARY FAMILIAL BRAIN CALCIFICATION 4, AUTOSOMAL DOMINANT; Familial Idiopathic Basal Ganglia Calcification 4. Identifiers: Orphanet 1980, MedGen C3554321, MONDO:0014004, OMIM 615007.
Infantile myofibromatosis (IMF). Also called: Congenital generalized fibromatosis. Identifiers: Orphanet 2591, MedGen C0432284, MONDO:0016824.
Acroosteolysis-keloid-like lesions-premature aging syndrome. Also called: Progeroid syndrome, Penttinen type; Premature aging syndrome, Penttinen type; Prematurely aged appearance, delayed bone maturation, acro-osteolysis, and brachydactyly. Identifiers: Orphanet 363665, MedGen C1866182, MONDO:0011150, OMIM 601812.
Skeletal overgrowth-craniofacial dysmorphism-hyperelastic skin-white matter lesions syndrome. Also called: SKELETAL OVERGROWTH WITH FACIAL DYSMORPHISM, HYPERELASTIC SKIN, WHITE MATTER LESIONS, AND NEUROLOGIC DETERIORATION; Kosaki overgrowth syndrome. Identifiers: Orphanet 477831, MedGen C4225270, MONDO:0014704, OMIM 616592.

Allele frequency attached by ClinVar (database versions not stated): 1000 Genomes Project below 0.00001; ExAC 0.00138; TOPMed 0.00082; gnomAD 0.00093 and 0.00090; gnomAD exomes 0.00118 and 0.00134; ESP Exome Variant Server 0.00146.
gnomAD v4.1: 2,101 of 1,613,438 alleles (0.13%); highest among the groups gnomAD compares: Non-Finnish European, 0.15%; 3 homozygotes.

Submissions (8):

Labcorp Genetics (formerly Invitae), Labcorp
Classification: Benign for Basal ganglia calcification, idiopathic, 4; Skeletal overgrowth-craniofacial dysmorphism-hyperelastic skin-white matter lesions syndrome; Infantile myofibromatosis; Acroosteolysis-keloid-like lesions-premature aging syndrome. Last evaluated: 2026-01-05. Review status: criteria provided, single submitter. Criteria: Invitae Variant Classification Sherloc (09022015). Collection method: clinical testing. Allele origin: germline.

CeGaT Center for Human Genetics Tuebingen
Classification: Likely benign. Last evaluated: 2025-11-01. Review status: criteria provided, single submitter. Criteria: CeGaT Center For Human Genetics Tuebingen Variant Classification Criteria Version 2. Collection method: clinical testing. Allele origin: germline. Affected: yes. Observed: 3 variant alleles.
Comment: PDGFRB: BP4, BP7

Mayo Clinic Laboratories, Mayo Clinic
Classification: Benign. Last evaluated: 2025-07-16. Review status: criteria provided, single submitter. Criteria: ACMG Guidelines, 2015. Collection method: clinical testing. Allele origin: germline. Observed: 1 variant allele.
Comment: BS1, BS2, BP4, BP7

Blueprint Genetics
Classification: Likely benign. Last evaluated: 2024-11-23. Review status: criteria provided, single submitter. Criteria: ACMG Guidelines, 2015. Collection method: clinical testing. Allele origin: germline.

PreventionGenetics, part of Exact Sciences
Classification: Likely benign for PDGFRB-related condition. Last evaluated: 2019-11-13. Review status: no assertion criteria provided. Collection method: clinical testing. Allele origin: germline. Not counted in ClinVar's aggregate classification.
Comment: This variant is classified as likely benign based on ACMG/AMP sequence variant interpretation guidelines (Richards et al. 2015 PMID: 25741868, with internal and published modifications).

Clinical Genetics DNA and cytogenetics Diagnostics Lab, Erasmus MC, Erasmus Medical Center
Classification: Likely benign. Review status: no assertion criteria provided. Collection method: clinical testing. Allele origin: germline. Affected: yes. Study: VKGL Data-share Consensus. Not counted in ClinVar's aggregate classification.

Genome Diagnostics Laboratory, Amsterdam University Medical Center
Classification: Likely benign. Review status: no assertion criteria provided. Collection method: clinical testing. Allele origin: germline. Affected: yes. Study: VKGL Data-share Consensus. Not counted in ClinVar's aggregate classification.

Laboratory of Diagnostic Genome Analysis, Leiden University Medical Center (LUMC)
Classification: Likely benign. Review status: no assertion criteria provided. Collection method: clinical testing. Allele origin: germline. Affected: yes. Study: VKGL Data-share Consensus. Not counted in ClinVar's aggregate classification.